The following is an entry in ClinVar:

ClinVar aggregate classification (germline): Likely benign. Review status: criteria provided, multiple submitters, no conflicts (2 of 4 stars). 2 submissions from 2 submitters: Likely benign (2). Last evaluated 2024-01-01.

gnomAD v4.1: 1 of 1,614,124 alleles (0.000062%); highest among the groups gnomAD compares: Non-Finnish European, 0.000085%; no homozygotes.

Submissions (2):

CeGaT Center for Human Genetics Tuebingen
Classification: Likely benign. Last evaluated: 2024-01-01. Review status: criteria provided, single submitter. Criteria: CeGaT Center For Human Genetics Tuebingen Variant Classification Criteria Version 2. Collection method: clinical testing. Allele origin: germline. Affected: yes. Observed: 1 variant allele.
Comment: TUBB4A: BP4, BP7

Blueprint Genetics
Classification: Likely benign. Last evaluated: 2023-12-06. Review status: criteria provided, single submitter. Criteria: ACMG Guidelines, 2015. Collection method: clinical testing. Allele origin: germline.

NM_006087.4(TUBB4A):c.945C>A (p.Ala315=)

Gene: TUBB4A (tubulin beta 4A class IVa; minus strand). Cytogenetic location: 19p13.3.
Variant type: single nucleotide variant.
Coding change: c.945C>A on transcript NM_006087.4 (MANE Select); coding-DNA position 945, C replaced by A.
Protein change: p.Ala315=; no amino-acid change (alanine 315 retained).
Molecular consequence: synonymous variant.
Genome position (GRCh38, 1-based): chr19:6,495,554, G>T on the plus strand (C>A on the coding strand, the complement: TUBB4A is on the minus strand). VCF-style: chr19-6495554-G-T. GRCh37 (hg19) VCF-style: chr19-6495565-G-T.
Other names: c.1098C>A, p.Ala366= (NM_001289123.2); c.1080C>A, p.Ala360= (NM_001289127.2); c.945C>A, p.Ala315= (NM_001289129.2); c.729C>A, p.Ala243= (NM_001289130.2, NM_001289131.2).
Identifiers: ClinVar variation 3026871 (VCV003026871.23), dbSNP rs1318704034, ClinGen allele CA505189516.